The following is an entry in ClinVar:

ClinVar aggregate classification (germline): Uncertain significance (1 of 4 stars; one submission).

Conditions:
Neurodevelopmental disorder with or without hyperkinetic movements and seizures, autosomal dominant. Also called: Intellectual disability, autosomal dominant 8. Identifiers: MedGen C3280282, MONDO:0013655, OMIM 614254.

Allele frequency attached by ClinVar (database versions not stated): TOPMed below 0.00001; gnomAD exomes 0.00001.
gnomAD v4.1: 24 of 1,609,880 alleles (0.0015%); highest among the groups gnomAD compares: Non-Finnish European, 0.0017%; no homozygotes.

Submission:

Labcorp Genetics (formerly Invitae), Labcorp
Classification: Uncertain significance for Neurodevelopmental disorder with or without hyperkinetic movements and seizures, autosomal dominant. Last evaluated: 2023-04-30. Review status: criteria provided, single submitter. Criteria: Invitae Variant Classification Sherloc (09022015). Collection method: clinical testing. Allele origin: germline.
Comment: ClinVar contains an entry for this variant (Variation ID: 2078829). In summary, the available evidence is currently insufficient to determine the role of this variant in disease. Therefore, it has been classified as a Variant of Uncertain Significance. Algorithms developed to predict the effect of sequence changes on RNA splicing suggest that this variant may disrupt the consensus splice site. Advanced modeling of protein sequence and biophysical properties (such as structural, functional, and spatial information, amino acid conservation, physicochemical variation, residue mobility, and thermodynamic stability) has been performed at Invitae for this missense variant, however the output from this modeling did not meet the statistical confidence thresholds required to predict the impact of this variant on GRIN1 protein function. This variant has not been reported in the literature in individuals affected with GRIN1-related conditions. This variant is present in population databases (no rsID available, gnomAD no frequency). This sequence change replaces glycine, which is neutral and non-polar, with serine, which is neutral and polar, at codon 445 of the GRIN1 protein (p.Gly445Ser).

NM_007327.4(GRIN1):c.1333G>A (p.Gly445Ser)

Gene: GRIN1 (glutamate ionotropic receptor NMDA type subunit 1; plus strand). Cytogenetic location: 9q34.3.
Variant type: single nucleotide variant.
Coding change: c.1333G>A on transcript NM_007327.4 (MANE Select); coding-DNA position 1333, G replaced by A.
Protein change: p.Gly445Ser; replaces glycine 445 with serine.
Molecular consequence: missense variant.
Genome position (GRCh38, 1-based): chr9:137,161,191, G>A. VCF-style: chr9-137161191-G-A. GRCh37 (hg19) VCF-style: chr9-140055643-G-A.
Other names: c.1333G>A, p.Gly445Ser (NM_000832.7, NM_021569.4); c.1396G>A, p.Gly466Ser (NM_001185090.2, NM_001185091.2); short protein forms G445S, G466S.
Identifiers: ClinVar variation 2078829 (VCV002078829.4), dbSNP rs1326514421, ClinGen allele CA375716121.